The following is an entry in ClinVar:

NM_005245.4(FAT1):c.12257+8T>A

Gene: FAT1 (FAT atypical cadherin 1; minus strand). Cytogenetic location: 4q35.2.
Variant type: single nucleotide variant.
Coding change: c.12257+8T>A on transcript NM_005245.4 (MANE Select); 8 bases into the intron after coding-DNA position 12257, T replaced by A.
Molecular consequence: intron variant.
Genome position (GRCh38, 1-based): chr4:186,597,964, A>T on the plus strand (T>A on the coding strand, the complement: FAT1 is on the minus strand). VCF-style: chr4-186597964-A-T. GRCh37 (hg19) VCF-style: chr4-187519118-A-T.
Identifiers: ClinVar variation 3058072 (VCV003058072.2), dbSNP rs760293297, ClinGen allele CA3164893.

ClinVar aggregate classification (germline): Likely benign (0 of 4 stars; one submission).

Conditions:
FAT1-related disorder. Also called: FAT1-related condition.

Allele frequency attached by ClinVar (database versions not stated): ExAC 0.00001.
gnomAD v4.1: 8 of 1,594,170 alleles (0.0005%); highest among the groups gnomAD compares: Non-Finnish European, 0.00068%; no homozygotes.

Submission:

PreventionGenetics, part of Exact Sciences
Classification: Likely benign for FAT1-related condition. Last evaluated: 2019-04-25. Review status: no assertion criteria provided. Collection method: clinical testing. Allele origin: germline.
Comment: This variant is classified as likely benign based on ACMG/AMP sequence variant interpretation guidelines (Richards et al. 2015 PMID: 25741868, with internal and published modifications).